The following is an entry in ClinVar:

NM_013335.4(GMPPA):c.250C>A (p.Gln84Lys)

Genes: ASIC4-AS1 (ASIC4 antisense RNA 1; minus strand), GMPPA (GDP-mannose pyrophosphorylase A; plus strand). Cytogenetic location: 2q35.
Variant type: single nucleotide variant.
Coding change: c.250C>A on transcript NM_013335.4 (MANE Select); coding-DNA position 250, C replaced by A.
Protein change: p.Gln84Lys; replaces glutamine 84 with lysine.
Molecular consequence: missense variant.
Genome position (GRCh38, 1-based): chr2:219,501,858, C>A. VCF-style: chr2-219501858-C-A. GRCh37 (hg19) VCF-style: chr2-220366580-C-A.
Other names: c.250C>A, p.Gln84Lys (NM_001374294.1, NM_001374295.1, NM_205847.3); short protein forms Q84K.
Identifiers: ClinVar variation 1379954 (VCV001379954.6), dbSNP rs767718283, ClinGen allele CA2128108.
Genomic context (GRCh38, chr2:219,501,858, plus strand): 5'-TGGTATCTGTTTCCTAAGATCCACTGAGCTGGCTCTCGGGTCCCTGGGGACAGGTACCTG[C>A]AGGAATTTGCCCCCCTAGGCACAGGGGGTGGTCTTTACCATTTTCGAGACCAGATCCTGG-3'
Protein context (NP_037467.2, residues 74-94): QEFNLPVRYL[Gln84Lys]EFAPLGTGGG

ClinVar aggregate classification (germline): Uncertain significance (1 of 4 stars; one submission).

Conditions:
Alacrima, achalasia, and impaired intellectual development syndrome. Also called: Alacrima, achalasia, and intellectual disability syndrome; Alacrima, achalasia, and mental retardation syndrome. Identifiers: Orphanet 869, MedGen C4706563, MONDO:0014219, OMIM 615510.

Allele frequency attached by ClinVar (database versions not stated): ExAC 0.00003; gnomAD exomes 0.00004 and 0.00005; TOPMed 0.00004; gnomAD 0.00004 and 0.00003.
gnomAD v4.1: 74 of 1,613,860 alleles (0.0046%); highest among the groups gnomAD compares: Non-Finnish European, 0.0059%; no homozygotes.

Submission:

Labcorp Genetics (formerly Invitae), Labcorp
Classification: Uncertain significance for Alacrima, achalasia, and impaired intellectual development syndrome. Last evaluated: 2025-06-14. Review status: criteria provided, single submitter. Criteria: Invitae Variant Classification Sherloc (09022015). Collection method: clinical testing. Allele origin: germline.
Comment: This sequence change replaces glutamine, which is neutral and polar, with lysine, which is basic and polar, at codon 84 of the GMPPA protein (p.Gln84Lys). This variant is present in population databases (rs767718283, gnomAD 0.006%). This variant has not been reported in the literature in individuals affected with GMPPA-related conditions. ClinVar contains an entry for this variant (Variation ID: 1379954). Invitae Evidence Modeling of protein sequence and biophysical properties (such as structural, functional, and spatial information, amino acid conservation, physicochemical variation, residue mobility, and thermodynamic stability) indicates that this missense variant is not expected to disrupt GMPPA protein function with a negative predictive value of 80%. Algorithms developed to predict the effect of sequence changes on RNA splicing suggest that this variant may create or strengthen a splice site. In summary, the available evidence is currently insufficient to determine the role of this variant in disease. Therefore, it has been classified as a Variant of Uncertain Significance.